The following is an entry in ClinVar:

NM_006269.2(RP1):c.2613dup (p.Arg872fs)

Gene: RP1 (RP1 axonemal microtubule associated; plus strand). Cytogenetic location: 8q12.1.
Variant type: Duplication.
Coding change: c.2613dup on transcript NM_006269.2 (MANE Select); coding-DNA position 2613, one base duplicated (A; older notation c.2613dupA).
Protein change: p.Arg872fs; shifts the reading frame from arginine 872.
Molecular consequence: frameshift variant.
Genome position (GRCh38, 1-based): chr8:54,626,495, A duplicated; the last of 6 consecutive A bases (chr8:54,626,490-54,626,495); duplicating any one gives the same sequence. VCF-style (leftmost placement, unchanged base first): chr8-54626489-G-GA. GRCh37 (hg19) VCF-style: chr8-55539049-G-GA.
Other names: c.2613dupA (NM_006269.1, NM_006269.2); short protein forms R872fs.
Identifiers: ClinVar variation 437955 (VCV000437955.56), dbSNP rs1449723475, ClinGen allele CA461098987.

ClinVar aggregate classification (germline): Pathogenic/Likely pathogenic. Review status: criteria provided, multiple submitters, no conflicts (2 of 4 stars). 11 submissions from 11 submitters: Pathogenic (6); Likely pathogenic (3). 2 of the submissions do not count toward it. Last evaluated 2026-01-19.

Conditions:
Retinitis pigmentosa (RP). Identifiers: Orphanet 791, MedGen C0035334, MeSH D012174, MONDO:0019200, OMIM 268000. Inheritance: Autosomal dominant, autosomal recessive and X linked inheritance.
RP1-related disorder. Also called: RP1-related condition.
Retinal disorder. Also called: Retinal disorders; Retinopathy; Retinopathies; Retinal Diseases. Identifiers: MedGen C0035309, MONDO:0005283, HP:0000488.
Retinal dystrophy. Also called: Inherited retinal dystrophy. Identifiers: Orphanet 71862, MedGen C0854723, MeSH D058499, MONDO:0019118, HP:0000556.
Retinitis pigmentosa 1 (RP1). Identifiers: Orphanet 791, MedGen C0220701, MONDO:0008377, OMIM 180100.

Submissions (11):

3billion
Classification: Pathogenic for Retinitis pigmentosa 1. Last evaluated: 2026-01-19. Review status: criteria provided, single submitter. Criteria: ACMG Guidelines, 2015. Collection method: clinical testing. Allele origin: germline. Affected: yes.
Comment: The variant is observed at an extremely low frequency in the gnomAD v4.1.0 dataset (total allele frequency: <0.001%). Predicted Consequence/Location: Frameshift: predicted to result in a loss or disruption of normal protein function through protein truncation. Multiple pathogenic variants are reported in the predicted truncated region. The variant has been reported at least twice as pathogenic with clinical assertions and evidence for the classification (ClinVar ID: VCV000437955 /PMID: 11095597). Therefore, this variant is classified as Pathogenic according to the recommendation of ACMG/AMP guideline.

North West Genomic Laboratory Hub, Manchester University NHS Foundation Trust
Classification: Pathogenic for Retinal disorders. Last evaluated: 2024-12-07. Review status: criteria provided, single submitter. Criteria: ACGS Best Practice Guidelines for Variant Classification in Rare Disease 2020. Collection method: clinical testing. Allele origin: germline. Affected: yes.
Comment: PP1_Str PM1_Mod PVS1_Str PS4_Str

Blueprint Genetics
Classification: Pathogenic for RP1-related disorders. Last evaluated: 2024-06-05. Review status: criteria provided, single submitter. Criteria: ACMG Guidelines, 2015. Collection method: clinical testing. Allele origin: germline. Affected: yes. Observed: 5 variant alleles.

Labcorp Genetics (formerly Invitae), Labcorp
Classification: Pathogenic. Last evaluated: 2024-05-20. Review status: criteria provided, single submitter. Criteria: Invitae Variant Classification Sherloc (09022015). Collection method: clinical testing. Allele origin: germline.
Comment: This sequence change creates a premature translational stop signal (p.Arg872Thrfs*2) in the RP1 gene. While this is not anticipated to result in nonsense mediated decay, it is expected to disrupt the last 1285 amino acid(s) of the RP1 protein. This variant is present in population databases (no rsID available, gnomAD 0.006%). This premature translational stop signal has been observed in individuals with autosomal dominant retinitis pigmentosa (RP) (PMID: 11095597, 27391102, 28041643). It has also been observed to segregate with disease in related individuals. This variant is also known as c.2608-2609insA. ClinVar contains an entry for this variant (Variation ID: 437955). This variant disrupts the C-terminus of the RP1 protein. Many variants that disrupt this region have been reported in individuals with either autosomal dominant or autosomal recessive retinitis pigmentosa (PMID: 11527933, 19933189, 29425069, 30027431, 33681214). Therefore, variants that disrupt this region are expected to be disease-causing. For these reasons, this variant has been classified as Pathogenic.

Dept Of Ophthalmology, Nagoya University
Classification: Likely pathogenic for Retinal dystrophy. Last evaluated: 2023-10-01. Review status: criteria provided, single submitter. Criteria: Submitter's publication. Collection method: research. Allele origin: germline. Affected: yes.

Institute of Medical Molecular Genetics, University of Zurich
Classification: Likely pathogenic for Retinitis pigmentosa 1. Last evaluated: 2021-01-30. Review status: criteria provided, single submitter. Criteria: ACMG Guidelines, 2015. Collection method: clinical testing. Allele origin: germline. Affected: yes.

Molecular Genetics Laboratory, Institute for Ophthalmic Research
Classification: Pathogenic for Retinitis pigmentosa. Last evaluated: 2020-01-09. Review status: criteria provided, single submitter. Criteria: ACMG Guidelines, 2015. Collection method: research. Allele origin: germline. Affected: yes.

CeGaT Center for Human Genetics Tuebingen
Classification: Pathogenic. Last evaluated: 2017-09-01. Review status: criteria provided, single submitter. Criteria: CeGaT Center For Human Genetics Tuebingen Variant Classification Criteria Version 2. Collection method: clinical testing. Allele origin: germline. Affected: yes. Observed: 2 variant alleles.

Clinical Genetics Service, Universitary Hospital 12 de Octubre
Classification: Likely pathogenic for Retinitis pigmentosa 1. Review status: criteria provided, single submitter. Criteria: ACMG Guidelines, 2015. Collection method: clinical testing. Allele origin: germline. Affected: yes.

Institute of Human Genetics, Univ. Regensburg, Univ. Regensburg
Classification: Pathogenic for Retinal dystrophy. Last evaluated: 2022-01-01. Review status: no assertion criteria provided. Criteria: ACMG Guidelines, 2015. Collection method: clinical testing. Allele origin: germline. Affected: yes. Not counted in ClinVar's aggregate classification.

NIHR Bioresource Rare Diseases, University of Cambridge
Classification: Pathogenic for Retinitis pigmentosa. Last evaluated: 2015-01-01. Review status: no assertion criteria provided. Collection method: research. Allele origin: unknown. Affected: yes. Observed: 1 variant allele. Not counted in ClinVar's aggregate classification.

Literature cited by the submitters: PubMed 11095597 (cited by 3 submitters); PubMed 27391102 (cited by Labcorp Genetics (formerly Invitae), Labcorp); PubMed 28041643 (cited by Labcorp Genetics (formerly Invitae), Labcorp and NIHR Bioresource Rare Diseases, University of Cambridge); PubMed 11527933 (cited by Labcorp Genetics (formerly Invitae), Labcorp); PubMed 19933189 (cited by Labcorp Genetics (formerly Invitae), Labcorp); PubMed 29425069 (cited by Labcorp Genetics (formerly Invitae), Labcorp); PubMed 30027431 (cited by Labcorp Genetics (formerly Invitae), Labcorp); PubMed 33681214 (cited by Labcorp Genetics (formerly Invitae), Labcorp).